The following is an entry in ClinVar:

NM_000051.4(ATM):c.186A>G (p.Arg62=)

Gene: ATM (ATM serine/threonine kinase; plus strand). Cytogenetic location: 11q22.3.
Variant type: single nucleotide variant.
Coding change: c.186A>G on transcript NM_000051.4 (MANE Select); coding-DNA position 186, A replaced by G.
Protein change: p.Arg62=; no amino-acid change (arginine 62 retained).
Molecular consequence: synonymous variant.
Genome position (GRCh38, 1-based): chr11:108,229,178, A>G. VCF-style: chr11-108229178-A-G. GRCh37 (hg19) VCF-style: chr11-108099905-A-G.
Other names: c.186A>G, p.Arg62= (NM_001351834.2, NM_001351835.2, NM_001351836.2).
Identifiers: ClinVar variation 229828 (VCV000229828.15), dbSNP rs876658224, ClinGen allele CA10578949.

ClinVar aggregate classification (germline): Likely benign. Review status: criteria provided, multiple submitters, no conflicts (2 of 4 stars). 5 submissions from 5 submitters: Likely benign (4). 1 of the submissions does not count toward it. Last evaluated 2025-07-15.

Conditions:
Hereditary cancer-predisposing syndrome. Also called: Hereditary Cancer Syndrome; Neoplastic Syndromes, Hereditary; Tumor predisposition; Hereditary neoplastic syndrome. Identifiers: Orphanet 140162, MedGen C0027672, MeSH D009386, MONDO:0015356.
Ataxia-telangiectasia syndrome (AT). Also called: Ataxia telangiectasia (A-T); Ataxia-telangiectasia, complementation group E; LOUIS-BAR SYNDROME; Cerebello-oculocutaneous telangiectasia; Immunodeficiency with ataxia telangiectasia; Ataxia-telangiectasia, complementation group D. Identifiers: Orphanet 100, MedGen C0004135, MONDO:0008840, OMIM 208900.

Allele frequency attached by ClinVar (database versions not stated): gnomAD exomes below 0.00001; TOPMed below 0.00001.
gnomAD v4.1: 1 of 1,610,192 alleles (0.000062%); highest among the groups gnomAD compares: Non-Finnish European, 0.000085%; no homozygotes.

Submissions (5):

Labcorp Genetics (formerly Invitae), Labcorp
Classification: Likely benign for Ataxia-telangiectasia syndrome. Last evaluated: 2025-07-15. Review status: criteria provided, single submitter. Criteria: Invitae Variant Classification Sherloc (09022015). Collection method: clinical testing. Allele origin: germline.

Color Diagnostics, LLC DBA Color Health
Classification: Likely benign for Hereditary cancer-predisposing syndrome. Last evaluated: 2017-12-27. Review status: criteria provided, single submitter. Criteria: ACMG Guidelines, 2015. Collection method: clinical testing. Allele origin: germline.

GeneDx
Classification: Likely benign. Last evaluated: 2016-02-18. Review status: criteria provided, single submitter. Criteria: GeneDx Variant Classification (06012015). Collection method: clinical testing. Allele origin: germline. Affected: yes.
Comment: This variant is considered likely benign or benign based on one or more of the following criteria: it is a conservative change, it occurs at a poorly conserved position in the protein, it is predicted to be benign by multiple in silico algorithms, and/or has population frequency not consistent with disease.

Ambry Genetics
Classification: Likely benign for Hereditary cancer-predisposing syndrome. Last evaluated: 2014-12-23. Review status: criteria provided, single submitter. Criteria: Ambry Variant Classification Scheme 2023. Collection method: clinical testing. Allele origin: germline.

Department of Pathology and Laboratory Medicine, Sinai Health System
Classification: Uncertain significance. Review status: no assertion criteria provided. Collection method: clinical testing. Allele origin: unknown. Affected: yes. Study: The Canadian Open Genetics Repository (COGR). Not counted in ClinVar's aggregate classification.
Comment: The ATM p.R62R variant was not identified in the literature nor was it identified in Cosmic. The variant was identified in dbSNP (ID: rs876658224), LOVD 3.0 and ClinVar (classified as likely benign by GeneDx, Ambry, and Color, and as uncertain significance by Invitae). The variant was identified in control databases in 1 of 231634 chromosomes at a frequency of 0.000004317 (Genome Aggregation Database March 6, 2019, v2.1.1). The variant was observed in the European (non-Finnish) population in 1 of 100146 chromosomes (freq: 0.00001), but was not observed in the African, Latino, Ashkenazi Jewish, East Asian, European (Finnish), Other, or South Asian populations. The p.R62R variant occurs in the first base of the exon; this position has been shown to be part of the splicing consensus sequence and variants involving this position sometimes affect splicing. However, three of four in silico or computational prediction software programs (SpliceSiteFinder, MaxEntScan, NNSPLICE, GeneSplicer) do not predict a difference in splicing. In summary, based on the above information the clinical significance of this variant cannot be determined with certainty at this time. This variant is classified as a variant of uncertain significance.